The following is an entry in ClinVar:

ClinVar aggregate classification (germline): Uncertain significance (1 of 4 stars; one submission).

Conditions:
Desmin-related myofibrillar myopathy (MFM1). Also called: Desmin related myopathy (former name); Desmin storage myopathy (former name); Desminopathy; MYOFIBRILLAR MYOPATHY WITH ARRHYTHMOGENIC RIGHT VENTRICULAR CARDIOMYOPATHY; DESMIN-RELATED MYOPATHY WITH ARRHYTHMOGENIC RIGHT VENTRICULAR CARDIOMYOPATHY; Myofibrillar myopathy 1. Identifiers: Orphanet 363543, Orphanet 98909, MedGen C1832370, MONDO:0011076, OMIM 601419.

Submission:

Labcorp Genetics (formerly Invitae), Labcorp
Classification: Uncertain significance for Desmin-related myofibrillar myopathy. Last evaluated: 2022-02-17. Review status: criteria provided, single submitter. Criteria: Invitae Variant Classification Sherloc (09022015). Collection method: clinical testing. Allele origin: germline.
Comment: In summary, the available evidence is currently insufficient to determine the role of this variant in disease. Therefore, it has been classified as a Variant of Uncertain Significance. Experimental studies and prediction algorithms are not available or were not evaluated, and the functional significance of this variant is currently unknown. This variant has not been reported in the literature in individuals affected with DES-related conditions. This variant is not present in population databases (gnomAD no frequency). This variant, c.924_926del, results in the deletion of 1 amino acid(s) of the DES protein (p.Asn308del), but otherwise preserves the integrity of the reading frame.

NM_001927.4(DES):c.921CAA[1] (p.Asn308del)

Gene: DES (desmin; plus strand). Cytogenetic location: 2q35.
Variant type: Microsatellite.
Coding change: c.921CAA[1] on transcript NM_001927.4 (MANE Select); one copy of the 3-base unit CAA starting at c.921; the reference has two copies in a row; one copy, 3 bases deleted.
Protein change: p.Asn308del; deletes asparagine 308.
Molecular consequence: inframe deletion. On other transcripts: intron variant (1).
Genome position (GRCh38, 1-based): chr2:219,420,854-219,420,856, CAA deleted; deleting any 3 consecutive bases within chr2:219,420,851-219,420,856 gives the same sequence; the position shown is the placement nearest the transcript's 3' end. VCF-style (leftmost placement, unchanged base first): chr2-219420850-CCAA-C. GRCh37 (hg19) VCF-style: chr2-220285572-CCAA-C.
Other names: c.918CAA[1], p.Asn307del (NM_001382708.1); c.921CAA[1], p.Asn308del (NM_001382710.1, NM_001382711.1, NM_001382712.1); c.651CAA[1], p.Asn218del (NM_001382713.1); c.735+508_735+510del (NM_001382709.1); short protein forms N218del, N307del, N308del.
Identifiers: ClinVar variation 2098058 (VCV002098058.4), dbSNP rs2545253007, ClinGen allele CA2580616705.